The following is an entry in ClinVar:

NM_152564.5(VPS13B):c.1651G>T (p.Gly551Cys)

Gene: VPS13B (vacuolar protein sorting 13 homolog B; plus strand). Cytogenetic location: 8q22.2.
Variant type: single nucleotide variant.
Coding change: c.1651G>T on transcript NM_152564.5 (MANE Select); coding-DNA position 1651, G replaced by T.
Protein change: p.Gly551Cys; replaces glycine 551 with cysteine.
Molecular consequence: missense variant.
Genome position (GRCh38, 1-based): chr8:99,136,752, G>T. VCF-style: chr8-99136752-G-T. GRCh37 (hg19) VCF-style: chr8-100148980-G-T.
Other names: c.1651G>T, p.Gly551Cys (NM_015243.3, NM_017890.5); short protein forms G551C.
Identifiers: ClinVar variation 1441872 (VCV001441872.6), dbSNP rs1346704740, ClinGen allele CA371863603.

ClinVar aggregate classification (germline): Uncertain significance (1 of 4 stars; one submission).

Conditions:
Cohen syndrome (COH1). Also called: PEPPER SYNDROME; Cutis verticis gyrata, retinitis pigmentosa, and sensorineural deafness. Identifiers: Orphanet 193, MedGen C0265223, MONDO:0008999, OMIM 216550.

Submission:

Labcorp Genetics (formerly Invitae), Labcorp
Classification: Uncertain significance for Cohen syndrome. Last evaluated: 2021-04-14. Review status: criteria provided, single submitter. Criteria: Invitae Variant Classification Sherloc (09022015). Collection method: clinical testing. Allele origin: germline.
Comment: In summary, the available evidence is currently insufficient to determine the role of this variant in disease. Therefore, it has been classified as a Variant of Uncertain Significance. Nucleotide substitutions within the consensus splice site are a relatively common cause of aberrant splicing (PMID: 17576681, 9536098). Algorithms developed to predict the effect of sequence changes on RNA splicing suggest that this variant may disrupt the consensus splice site, but this prediction has not been confirmed by published transcriptional studies. Algorithms developed to predict the effect of missense changes on protein structure and function are either unavailable or do not agree on the potential impact of this missense change (SIFT: "Not Available"; PolyPhen-2: "Probably Damaging"; Align-GVGD: "Not Available"). This variant has not been reported in the literature in individuals with VPS13B-related conditions. This variant is not present in population databases (ExAC no frequency). This sequence change replaces glycine with cysteine at codon 551 of the VPS13B protein (p.Gly551Cys). The glycine residue is weakly conserved and there is a large physicochemical difference between glycine and cysteine. This variant also falls at the last nucleotide of exon 12, which is part of the consensus splice site for this exon.

Literature cited by the submitters: PubMed 17576681; PubMed 9536098.